The following is an entry in ClinVar:

ClinVar aggregate classification (germline): Benign/Likely benign. Review status: criteria provided, multiple submitters, no conflicts (2 of 4 stars). 3 submissions from 3 submitters: Benign (1); Likely benign (2). Last evaluated 2026-04-24.

Conditions:
Colorectal cancer, susceptibility to, 1. Also called: COLORECTAL ADENOMA AND CANCER, SUSCEPTIBILITY TO; COLORECTAL CANCER, SUSCEPTIBILITY TO, ON CHROMOSOME 9. Identifiers: MedGen C1837315, MONDO:0012132, OMIM 608812.

Allele frequency attached by ClinVar (database versions not stated): ESP Exome Variant Server 0.00008; TOPMed 0.00001; gnomAD exomes below 0.00001; ExAC 0.00001; gnomAD 0.00002.
gnomAD v4.1: 5 of 1,611,372 alleles (0.00031%); highest among the groups gnomAD compares: Non-Finnish European, 0.00042%; no homozygotes.

Submissions (3):

Myriad Genetics, Inc.
Classification: Benign for Colorectal cancer, susceptibility to, 1. Last evaluated: 2026-04-24. Review status: criteria provided, single submitter. Criteria: Myriad Autosomal Dominant, Autosomal Recessive and X-Linked Classification Criteria (2023). Collection method: clinical testing. Allele origin: unknown.
Comment: This variant is considered benign. This variant is a silent/synonymous amino acid change and it is not expected to impact splicing.

Labcorp Genetics (formerly Invitae), Labcorp
Classification: Likely benign. Last evaluated: 2023-08-28. Review status: criteria provided, single submitter. Criteria: Invitae Variant Classification Sherloc (09022015). Collection method: clinical testing. Allele origin: germline.

Ambry Genetics
Classification: Likely benign. Last evaluated: 2018-08-15. Review status: criteria provided, single submitter. Criteria: Ambry Variant Classification Scheme 2023. Collection method: clinical testing. Allele origin: germline.

NM_024642.5(GALNT12):c.621C>T (p.Gly207=)

Gene: GALNT12 (polypeptide N-acetylgalactosaminyltransferase 12; plus strand). Cytogenetic location: 9q22.33.
Variant type: single nucleotide variant.
Coding change: c.621C>T on transcript NM_024642.5 (MANE Select); coding-DNA position 621, C replaced by T.
Protein change: p.Gly207=; no amino-acid change (glycine 207 retained).
Molecular consequence: synonymous variant.
Genome position (GRCh38, 1-based): chr9:98,826,831, C>T. VCF-style: chr9-98826831-C-T. GRCh37 (hg19) VCF-style: chr9-101589113-C-T.
Identifiers: ClinVar variation 826255 (VCV000826255.10), dbSNP rs374409845, ClinGen allele CA5154007.
Genomic context (GRCh38, chr9:98,826,831, plus strand): 5'-GGCCAATGAGCTTTCGGGACTGCCCAAGGTGCGCCTGATCCGCGCCAACAAGAGAGAGGG[C>T]CTGGTGCGAGCCCGGCTGCTGGGGGCGTCTGCGGCGAGGGGCGATGTTCTGACCTTCCTG-3'
Protein context (NP_078918.3, residues 197-217): VRLIRANKRE[Gly207=]LVRARLLGAS